The following is an entry in ClinVar:

NM_014875.3(KIF14):c.4944G>T (p.Val1648=)

Gene: KIF14 (kinesin family member 14; minus strand). Cytogenetic location: 1q32.1.
Variant type: single nucleotide variant.
Coding change: c.4944G>T on transcript NM_014875.3 (MANE Select); coding-DNA position 4944, G replaced by T.
Protein change: p.Val1648=; no amino-acid change (valine 1648 retained).
Molecular consequence: synonymous variant.
Genome position (GRCh38, 1-based): chr1:200,553,391, C>A on the plus strand (G>T on the coding strand, the complement: KIF14 is on the minus strand). VCF-style: chr1-200553391-C-A. GRCh37 (hg19) VCF-style: chr1-200522519-C-A.
Other names: c.3471G>T, p.Val1157= (NM_001305792.1).
Identifiers: ClinVar variation 739562 (VCV000739562.13), dbSNP rs147337582, ClinGen allele CA1316880.

ClinVar aggregate classification (germline): Likely benign. Review status: criteria provided, multiple submitters, no conflicts (2 of 4 stars). 2 submissions from 2 submitters: Likely benign (2). Last evaluated 2025-12-17.

Allele frequency attached by ClinVar (database versions not stated): gnomAD 0.00018 and 0.00020; TOPMed 0.00019; ESP Exome Variant Server 0.00023.
gnomAD v4.1: 329 of 1,600,254 alleles (0.021%); highest among the groups gnomAD compares: Admixed American, 0.028%; 1 homozygote.

Submissions (2):

Labcorp Genetics (formerly Invitae), Labcorp
Classification: Likely benign. Last evaluated: 2025-12-17. Review status: criteria provided, single submitter. Criteria: Invitae Variant Classification Sherloc (09022015). Collection method: clinical testing. Allele origin: germline.

CeGaT Center for Human Genetics Tuebingen
Classification: Likely benign. Last evaluated: 2025-10-01. Review status: criteria provided, single submitter. Criteria: CeGaT Center For Human Genetics Tuebingen Variant Classification Criteria Version 2. Collection method: clinical testing. Allele origin: germline. Affected: yes. Observed: 1 variant allele.
Comment: KIF14: BP4, BP7